The following is an entry in ClinVar:

ClinVar aggregate classification (germline): Uncertain significance (1 of 4 stars; one submission).

gnomAD v4.1: 1 of 1,613,938 alleles (0.000062%); highest among the groups gnomAD compares: Non-Finnish European, 0.000085%; no homozygotes.

Submission:

Labcorp Genetics (formerly Invitae), Labcorp
Classification: Uncertain significance. Last evaluated: 2024-03-24. Review status: criteria provided, single submitter. Criteria: Invitae Variant Classification Sherloc (09022015). Collection method: clinical testing. Allele origin: germline.
Comment: This sequence change replaces tyrosine, which is neutral and polar, with serine, which is neutral and polar, at codon 181 of the NEK2 protein (p.Tyr181Ser). This variant is not present in population databases (gnomAD no frequency). This variant has not been reported in the literature in individuals affected with NEK2-related conditions. ClinVar contains an entry for this variant (Variation ID: 1464543). An algorithm developed to predict the effect of missense changes on protein structure and function (PolyPhen-2) suggests that this variant is likely to be disruptive. In summary, the available evidence is currently insufficient to determine the role of this variant in disease. Therefore, it has been classified as a Variant of Uncertain Significance.

NM_002497.4(NEK2):c.542A>C (p.Tyr181Ser)

Gene: NEK2 (NIMA related kinase 2; minus strand). Cytogenetic location: 1q32.3.
Variant type: single nucleotide variant.
Coding change: c.542A>C on transcript NM_002497.4 (MANE Select); coding-DNA position 542, A replaced by C.
Protein change: p.Tyr181Ser; replaces tyrosine 181 with serine.
Molecular consequence: missense variant.
Genome position (GRCh38, 1-based): chr1:211,673,496, T>G on the plus strand (A>C on the coding strand, the complement: NEK2 is on the minus strand). VCF-style: chr1-211673496-T-G. GRCh37 (hg19) VCF-style: chr1-211846838-T-G.
Other names: c.542A>C, p.Tyr181Ser (NM_001204182.2, NM_001204183.2); short protein forms Y181S.
Identifiers: ClinVar variation 1464543 (VCV001464543.8), dbSNP rs1279272576, ClinGen allele CA344783151.